The following is an entry in ClinVar:

ClinVar aggregate classification (germline): Uncertain significance. Review status: criteria provided, multiple submitters, no conflicts (2 of 4 stars). 2 submissions from 2 submitters: Uncertain significance (2). Last evaluated 2024-11-18.

Conditions:
Developmental and epileptic encephalopathy, 2 (DEE2). Also called: INFANTILE SPASM SYNDROME, X-LINKED 2; CDKL5 deficiency disorder. Identifiers: Orphanet 1934, Orphanet 3451, Orphanet 505652, MedGen C4750718, MONDO:0010396, OMIM 300672.
Angelman syndrome-like. Identifiers: MedGen CN128785.

Allele frequency attached by ClinVar (database versions not stated): gnomAD exomes below 0.00001 and 0.00001; ExAC 0.00001; gnomAD 0.00001; TOPMed 0.00001; 1000 Genomes Project 30x 0.00021; 1000 Genomes Project 0.00026.
gnomAD v4.1: 3 of 1,197,743 alleles (0.00025%); highest among the groups gnomAD compares: East Asian, 0.003%; no homozygotes.

Submissions (2):

Labcorp Genetics (formerly Invitae), Labcorp
Classification: Uncertain significance for Developmental and epileptic encephalopathy, 2; Angelman syndrome-like. Last evaluated: 2024-11-18. Review status: criteria provided, single submitter. Criteria: Invitae Variant Classification Sherloc (09022015). Collection method: clinical testing. Allele origin: germline.
Comment: This sequence change replaces asparagine, which is neutral and polar, with aspartic acid, which is acidic and polar, at codon 5 of the CDKL5 protein (p.Asn5Asp). This variant is present in population databases (rs767844474, gnomAD 0.008%). This missense change has been observed in individual(s) with CDKL5-related conditions (PMID: 29264392). ClinVar contains an entry for this variant (Variation ID: 421693). Invitae Evidence Modeling of protein sequence and biophysical properties (such as structural, functional, and spatial information, amino acid conservation, physicochemical variation, residue mobility, and thermodynamic stability) indicates that this missense variant is not expected to disrupt CDKL5 protein function with a negative predictive value of 95%. In summary, the available evidence is currently insufficient to determine the role of this variant in disease. Therefore, it has been classified as a Variant of Uncertain Significance.

GeneDx
Classification: Uncertain significance. Last evaluated: 2016-07-15. Review status: criteria provided, single submitter. Criteria: GeneDx Variant Classification (06012015). Collection method: clinical testing. Allele origin: germline. Affected: yes.
Comment: A variant of uncertain significance has been identified in the CDKL5 gene. The N5D variant has not been published as a pathogenic variant, nor has it been reported as a benign variant to our knowledge. It was not observed in approximately 6,500 individuals of European and African American ancestry in the NHLBI Exome Sequencing Project, indicating it is not a common benign variant in these populations and it was not observed with any significant frequency in the 1000 Genomes Project. The N5D variant is a semi-conservative amino acid substitution, which may impact secondary protein structure as these residues differ in some properties. This substitution occurs at a position that is conserved across species. However, in silico analysis is inconsistent in its predictions as to whether or not the variant is damaging to the protein structure/function. Therefore, based on the currently available information, it is unclear whether this variant is a pathogenic variant or a rare benign variant.

Literature cited by the submitters: PubMed 29264392 (cited by Labcorp Genetics (formerly Invitae), Labcorp).

NM_001323289.2(CDKL5):c.13A>G (p.Asn5Asp)

Gene: CDKL5 (cyclin dependent kinase like 5; plus strand). Cytogenetic location: Xp22.13.
Variant type: single nucleotide variant.
Coding change: c.13A>G on transcript NM_001323289.2 (MANE Select); coding-DNA position 13, A replaced by G.
Protein change: p.Asn5Asp; replaces asparagine 5 with aspartic acid.
Molecular consequence: missense variant.
Genome position (GRCh38, 1-based): chrX:18,507,109, A>G. VCF-style: chrX-18507109-A-G. GRCh37 (hg19) VCF-style: chrX-18525229-A-G.
Other names: c.13A>G, p.Asn5Asp (NM_001037343.2, NM_003159.3); short protein forms N5D.
Identifiers: ClinVar variation 421693 (VCV000421693.7), dbSNP rs767844474, ClinGen allele CA10360169.